The following is an entry in ClinVar:

ClinVar aggregate classification (germline): Pathogenic/Likely pathogenic. Review status: criteria provided, multiple submitters, no conflicts (2 of 4 stars). 2 submissions from 2 submitters: Pathogenic (1); Likely pathogenic (1). Last evaluated 2024-03-22.

Conditions:
Hematuria, benign familial, 1 (BFH1). Also called: THIN MEMBRANE NEPHROPATHY. Identifiers: MedGen CN376803, MONDO:0007709, OMIM 141200.
Autosomal recessive Alport syndrome (ATS2). Also called: COL4A3-Related Nephropathy; COL4A4 Alport Syndrome and Thin Basement Membrane Nephropathy; Alport syndrome type 2; ALPORT SYNDROME 2, AUTOSOMAL RECESSIVE. Identifiers: Orphanet 63, Orphanet 88919, MedGen C4746745, MONDO:0008762, OMIM 203780.
Alport syndrome. Also called: Hemorrhagic familial nephritis; Hemorrhagic hereditary nephritis; Congenital hereditary hematuria. Identifiers: Orphanet 63, MedGen C1567741, MONDO:0018965.

gnomAD v4.1: 4 of 1,614,014 alleles (0.00025%); highest among the groups gnomAD compares: Non-Finnish European, 0.00034%; no homozygotes.

Submissions (2):

Fulgent Genetics
Classification: Likely pathogenic for Hematuria, benign familial, 1; Autosomal recessive Alport syndrome. Last evaluated: 2024-03-22. Review status: criteria provided, single submitter. Criteria: ACMG Guidelines, 2015. Collection method: clinical testing. Allele origin: germline.

Victorian Clinical Genetics Services, Murdoch Childrens Research Institute
Classification: Pathogenic for Alport syndrome. Last evaluated: 2023-07-16. Review status: criteria provided, single submitter. Criteria: ACMG Guidelines, 2015. Collection method: clinical testing. Allele origin: germline. Affected: yes.
Comment: Based on the classification scheme VCGS_Germline_v1.3.4, this variant is classified as Pathogenic. Following criteria are met: 0103 - Loss of function is a known mechanism of disease in this gene and is associated with Alport syndrome (MONDO:0018965). Dominant negative is a suspected mechanism of disease for this gene due to its role as a structural protein (PMID: 12028435, 24046192). (I) 0108 - This gene is associated with both recessive and dominant disease. Alport syndrome typically has biallelic inheritance, although rare cases of monoallelic inheritance have been reported (PMID: 28704582). Thin basement membrane nephropathy (TBMN) and focal segmental glomerulosclerosis (FSGS) are associated with autosomal dominant inheritance (OMIM, PMIDs: 16467446, 17942953). (I) 0201 - Variant is predicted to cause nonsense-mediated decay (NMD) and loss of protein (premature termination codon is located at least 54 nucleotides upstream of the final exon-exon junction). (SP) 0251 - This variant is heterozygous. (I) 0301 - Variant is absent from gnomAD (both v2 and v3). (SP) 0701 - Other NMD-predicted variants comparable to the one identified in this case have very strong previous evidence for pathogenicity. NMD-predicted variants are well-reported pathogenic in ClinVar and in the literature in individuals with Alport syndrome (PMID: 33838161). (SP) 0807 - This variant has no previous evidence of pathogenicity. (I) 0905 - No published segregation evidence has been identified for this variant. (I) 1007 - No published functional evidence has been identified for this variant. (I) 1208 - Inheritance information for this variant is not currently available in this individual. (I) Legend: (SP) - Supporting pathogenic, (I) - Information, (SB) - Supporting benign

Literature cited by the submitters: PubMed 12028435 (cited by Victorian Clinical Genetics Services, Murdoch Childrens Research Institute); PubMed 16467446 (cited by Victorian Clinical Genetics Services, Murdoch Childrens Research Institute); PubMed 17942953 (cited by Victorian Clinical Genetics Services, Murdoch Childrens Research Institute); PubMed 24046192 (cited by Victorian Clinical Genetics Services, Murdoch Childrens Research Institute); PubMed 28704582 (cited by Victorian Clinical Genetics Services, Murdoch Childrens Research Institute); PubMed 33838161 (cited by Victorian Clinical Genetics Services, Murdoch Childrens Research Institute).

NM_000092.5(COL4A4):c.129C>G (p.Tyr43Ter)

Gene: COL4A4 (collagen type IV alpha 4 chain; minus strand). Cytogenetic location: 2q36.3.
Variant type: single nucleotide variant.
Coding change: c.129C>G on transcript NM_000092.5 (MANE Select); coding-DNA position 129, C replaced by G.
Protein change: p.Tyr43Ter; replaces tyrosine 43 with a stop codon.
Molecular consequence: nonsense.
Genome position (GRCh38, 1-based): chr2:227,140,224, G>C on the plus strand (C>G on the coding strand, the complement: COL4A4 is on the minus strand). VCF-style: chr2-227140224-G-C. GRCh37 (hg19) VCF-style: chr2-228004940-G-C.
Other names: short protein forms Y43*.
Identifiers: ClinVar variation 3376730 (VCV003376730.2).